The following is an entry in ClinVar:

NM_001281775.3(ZMYND8):c.2405C>T (p.Ser802Phe)

Gene: ZMYND8 (zinc finger MYND-type containing 8; minus strand). Cytogenetic location: 20q13.12.
Variant type: single nucleotide variant.
Coding change: c.2405C>T on transcript NM_001281775.3 (MANE Select); coding-DNA position 2405, C replaced by T.
Protein change: p.Ser802Phe; replaces serine 802 with phenylalanine.
Molecular consequence: missense variant. On other transcripts: intron variant (2).
Genome position (GRCh38, 1-based): chr20:47,239,018, G>A on the plus strand (C>T on the coding strand, the complement: ZMYND8 is on the minus strand). VCF-style: chr20-47239018-G-A. GRCh37 (hg19) VCF-style: chr20-45867762-G-A.
Other names: c.2189C>T, p.Ser730Phe (NM_001281784.3, NM_001281781.3); c.2426C>T, p.Ser809Phe (NM_001363714.1); c.2345C>T, p.Ser782Phe (NM_001363741.2, NM_001281772.3, NM_001281773.3 and 1 more transcripts); c.2405C>T, p.Ser802Phe (NM_012408.6, NM_183047.4, NM_001281783.3); c.2330C>T, p.Ser777Phe (NM_183048.4, NM_001281777.3, NM_001281778.3 and 1 more transcripts); c.2210-2502C>T (NM_001281771.3); c.2285-2502C>T (NM_001281776.3); c.1601C>T, p.Ser534Phe (NM_001281779.3, NM_001281780.3); and 1 more; short protein forms S534F, S730F, S777F, S782F, S802F, S809F.
Identifiers: ClinVar variation 2635927 (VCV002635927.3), dbSNP rs373180222, ClinGen allele CA9893410.

ClinVar aggregate classification (germline): Uncertain significance. Review status: criteria provided, multiple submitters, no conflicts (2 of 4 stars). 2 submissions from 2 submitters: Uncertain significance (2). Last evaluated 2025-08-05.

Conditions:
ZMYND8-related disorder. Also called: ZMYND8-related condition.

Allele frequency attached by ClinVar (database versions not stated): ExAC 0.00001; gnomAD 0.00002; TOPMed 0.00003; gnomAD exomes 0.00004; ESP Exome Variant Server 0.00015.
gnomAD v4.1: 59 of 1,600,156 alleles (0.0037%); highest among the groups gnomAD compares: Non-Finnish European, 0.0044%; no homozygotes.

Submissions (2):

PreventionGenetics, part of Exact Sciences
Classification: Uncertain significance for ZMYND8-related condition. Last evaluated: 2025-08-05. Review status: criteria provided, single submitter. Criteria: ACMG Guidelines, 2015. Collection method: clinical testing. Allele origin: germline.
Comment: The ZMYND8 c.2426C>T variant is predicted to result in the amino acid substitution p.Ser809Phe. To our knowledge, this variant has not been reported in the literature or in a large population database (gnomAD), indicating this variant is rare. At this time, the clinical significance of this variant is uncertain due to the absence of conclusive functional and genetic evidence.

Ambry Genetics
Classification: Uncertain significance. Last evaluated: 2025-01-08. Review status: criteria provided, single submitter. Criteria: Ambry Variant Classification Scheme 2023. Collection method: clinical testing. Allele origin: germline.